The following is an entry in ClinVar:

ClinVar aggregate classification (germline): Uncertain significance. Review status: criteria provided, multiple submitters, no conflicts (2 of 4 stars). 2 submissions from 2 submitters: Uncertain significance (2). Last evaluated 2025-06-23.

Conditions:
Charcot-Marie-Tooth disease axonal type 2U. Also called: CHARCOT-MARIE-TOOTH NEUROPATHY, TYPE 2U; CHARCOT-MARIE-TOOTH DISEASE, AXONAL, AUTOSOMAL DOMINANT, TYPE 2U. Identifiers: Orphanet 397735, MedGen C4084821, MONDO:0014566, OMIM 616280.
Severe early-onset pulmonary alveolar proteinosis due to MARS deficiency. Also called: PULMONARY ALVEOLAR PROTEINOSIS, REUNION ISLAND; Interstitial lung and liver disease. Identifiers: Orphanet 440427, MedGen C4225400, MONDO:0014206, OMIM 615486.

gnomAD v4.1: 6 of 1,614,208 alleles (0.00037%); highest among the groups gnomAD compares: Non-Finnish European, 0.00051%; no homozygotes.

Submissions (2):

Labcorp Genetics (formerly Invitae), Labcorp
Classification: Uncertain significance for Charcot-Marie-Tooth disease axonal type 2U; Severe early-onset pulmonary alveolar proteinosis due to MARS deficiency. Last evaluated: 2025-06-23. Review status: criteria provided, single submitter. Criteria: Invitae Variant Classification Sherloc (09022015). Collection method: clinical testing. Allele origin: germline.
Comment: This sequence change creates a premature translational stop signal (p.Tyr274*) in the MARS gene. It is expected to result in an absent or disrupted protein product. However, the current clinical and genetic evidence is not sufficient to establish whether loss-of-function variants in MARS cause disease. This variant is present in population databases (no rsID available, gnomAD 0.006%). This variant has not been reported in the literature in individuals affected with MARS-related conditions. ClinVar contains an entry for this variant (Variation ID: 3602491). Algorithms developed to predict the effect of sequence changes on RNA splicing suggest that this variant may disrupt the consensus splice site. In summary, the available evidence is currently insufficient to determine the role of this variant in disease. Therefore, it has been classified as a Variant of Uncertain Significance.

GeneDx
Classification: Uncertain significance. Last evaluated: 2024-07-30. Review status: criteria provided, single submitter. Criteria: GeneDx Variant Classification Process June 2021. Collection method: clinical testing. Allele origin: germline. Affected: yes.
Comment: Nonsense variant predicted to result in protein truncation or nonsense mediated decay in a gene or region of a gene for which loss of function is not a well-established mechanism of disease; Not observed at significant frequency in large population cohorts (gnomAD); Has not been previously published as pathogenic or benign to our knowledge

NM_004990.4(MARS1):c.822C>G (p.Tyr274Ter)

Gene: MARS1 (methionyl-tRNA synthetase 1; plus strand). Cytogenetic location: 12q13.3.
Variant type: single nucleotide variant.
Coding change: c.822C>G on transcript NM_004990.4 (MANE Select); coding-DNA position 822, C replaced by G.
Protein change: p.Tyr274Ter; replaces tyrosine 274 with a stop codon.
Molecular consequence: nonsense.
Genome position (GRCh38, 1-based): chr12:57,498,208, C>G. VCF-style: chr12-57498208-C-G. GRCh37 (hg19) VCF-style: chr12-57891991-C-G.
Other names: short protein forms Y274*.
Identifiers: ClinVar variation 3602491 (VCV003602491.2).